The following is an entry in ClinVar:

NM_004006.3(DMD):c.3556G>T (p.Glu1186Ter)

Gene: DMD (dystrophin; minus strand). Cytogenetic location: Xp21.1.
Variant type: single nucleotide variant.
Coding change: c.3556G>T on transcript NM_004006.3 (MANE Select); coding-DNA position 3556, G replaced by T.
Protein change: p.Glu1186Ter; replaces glutamic acid 1186 with a stop codon.
Molecular consequence: nonsense.
Genome position (GRCh38, 1-based): chrX:32,454,709, C>A on the plus strand (G>T on the coding strand, the complement: DMD is on the minus strand). VCF-style: chrX-32454709-C-A. GRCh37 (hg19) VCF-style: chrX-32472826-C-A.
Other names: c.3532G>T, p.Glu1178Ter (NM_000109.4); c.3544G>T, p.Glu1182Ter (NM_004009.3); c.3187G>T, p.Glu1063Ter (NM_004010.3); short protein forms E1063*, E1178*, E1182*, E1186*.
Identifiers: ClinVar variation 1322265 (VCV001322265.16), dbSNP rs868836192, ClinGen allele CA327996980.

ClinVar aggregate classification (germline): Pathogenic. Review status: criteria provided, multiple submitters, no conflicts (2 of 4 stars). 3 submissions from 3 submitters: Pathogenic (3). Last evaluated 2021-08-07.

Conditions:
Becker muscular dystrophy (BMD). Also called: MUSCULAR DYSTROPHY, PSEUDOHYPERTROPHIC PROGRESSIVE, BECKER TYPE; Becker Muscular Dystrophy (BMD). Identifiers: Orphanet 98895, MedGen C0917713, MONDO:0010311, OMIM 300376.
Dilated cardiomyopathy 3B (CMD3B). Also called: CMD3B: DMD-Related Dilated Cardiomyopathy; CARDIOMYOPATHY, DILATED, X-LINKED; DMD-Associated Dilated Cardiomyopathy. Identifiers: Orphanet 154, MedGen C3668940, MONDO:0010542, OMIM 302045.
Duchenne muscular dystrophy (DMD). Also called: MUSCULAR DYSTROPHY, PSEUDOHYPERTROPHIC PROGRESSIVE, DUCHENNE TYPE; Duchenne Muscular Dystrophy (DMD). Identifiers: Orphanet 98896, MedGen C0013264, MONDO:0010679, OMIM 310200.

Submissions (3):

Labcorp Genetics (formerly Invitae), Labcorp
Classification: Pathogenic for Duchenne muscular dystrophy. Last evaluated: 2021-08-07. Review status: criteria provided, single submitter. Criteria: Invitae Variant Classification Sherloc (09022015). Collection method: clinical testing. Allele origin: germline.
Comment: This sequence change creates a premature translational stop signal (p.Glu1186*) in the DMD gene. It is expected to result in an absent or disrupted protein product. Loss-of-function variants in DMD are known to be pathogenic (PMID: 16770791, 25007885). This variant is not present in population databases (ExAC no frequency). This premature translational stop signal has been observed in individual(s) with Duchenne muscular dystrophy (PMID: 16834926). For these reasons, this variant has been classified as Pathogenic.

ARUP Laboratories, Molecular Genetics and Genomics, ARUP Laboratories
Classification: Pathogenic. Last evaluated: 2021-06-14. Review status: criteria provided, single submitter. Criteria: ARUP Molecular Germline Variant Investigation Process 2021. Collection method: clinical testing. Allele origin: germline.
Comment: The DMD c.3556G>T, p.Glu1186Ter variant (rs868836192) is reported in the literature in in an individual affected with Duchenne/Becker muscular dystrophy (Lo 2006). This variant is absent from the Genome Aggregation Database, indicating it is not a common polymorphism. This variant induces an early termination codon and is predicted to result in a truncated protein or mRNA subject to nonsense-mediated decay. Based on available information, this variant is considered to be pathogenic.

Juno Genomics, Hangzhou Juno Genomics, Inc
Classification: Pathogenic for Becker muscular dystrophy; Dilated cardiomyopathy 3B; Duchenne muscular dystrophy. Review status: criteria provided, single submitter. Criteria: ACMG Guidelines, 2015. Collection method: clinical testing. Allele origin: germline. Affected: yes.
Comment: Absent from controls (or at extremely low frequency if recessive) in Genome Aggregation Database, Exome Sequencing Project, 1000 Genomes Project, or Exome Aggregation Consortium.;Null variant in a gene where loss of function (LOF) is a known mechanism of disease.;The prevalence of the variant in affected individuals is significantly increased compared to the prevalence in controls.;Patient's phenotype or family history is highly specific for a disease with a single genetic etiology.

Literature cited by the submitters: PubMed 16770791 (cited by Labcorp Genetics (formerly Invitae), Labcorp); PubMed 25007885 (cited by Labcorp Genetics (formerly Invitae), Labcorp); PubMed 16834926 (cited by Labcorp Genetics (formerly Invitae), Labcorp).